The following is an entry in ClinVar:

ClinVar aggregate classification (germline): Conflicting classifications of pathogenicity. Review status: criteria provided, conflicting classifications (1 of 4 stars). 4 submissions from 2 submitters: Uncertain significance (2); Benign (2). Last evaluated 2018-01-13.

Conditions:
Maturity-onset diabetes of the young type 13. Also called: MODY, TYPE 13. Identifiers: Orphanet 552, MedGen C4225365, MONDO:0014589, OMIM 616329.
Maturity-onset diabetes of the young (MODY). Also called: Maturity onset diabetes mellitus in young. Identifiers: Orphanet 552, MedGen C0342276, MONDO:0018911, HP:0004904.
Diabetes mellitus, transient neonatal, 3 (TNDM3). Identifiers: Orphanet 99886, MedGen C1864623, MONDO:0012522, OMIM 610582. Disease mechanism: loss of function.
Hyperinsulinemic hypoglycemia, familial, 2. Also called: HYPERINSULINEMIC HYPOGLYCEMIA, PERSISTENT; HYPERINSULINISM, NEONATAL. Identifiers: Orphanet 276580, Orphanet 276603, MedGen C2931833, MONDO:0011153, OMIM 601820. Disease mechanism: loss of function.

Allele frequency attached by ClinVar (database versions not stated): gnomAD 0.00014 and 0.00015; TOPMed 0.00022; 1000 Genomes Project 30x 0.00047; 1000 Genomes Project 0.00060.

Submissions (4):

Illumina Laboratory Services, Illumina
Classification: Benign for Diabetes mellitus, transient neonatal, 3. Last evaluated: 2018-01-13. Review status: criteria provided, single submitter. Criteria: ICSL Variant Classification Criteria 13 December 2019. Collection method: clinical testing. Allele origin: germline.
Comment: This variant was observed in the ICSL laboratory as part of a predisposition screen in an ostensibly healthy population. It had not been previously curated by ICSL or reported in the Human Gene Mutation Database (HGMD: prior to June 1st, 2018), and was therefore a candidate for classification through an automated scoring system. Utilizing variant allele frequency, disease prevalence and penetrance estimates, and inheritance mode, an automated score was calculated to assess if this variant is too frequent to cause the disease. Based on the score and internal cut-off values, a variant classified as benign is not then subjected to further curation. The score for this variant resulted in a classification of benign for this disease.

Illumina Laboratory Services, Illumina
Classification: Uncertain significance for Hyperinsulinemic hypoglycemia, familial, 2. Last evaluated: 2018-01-13. Review status: criteria provided, single submitter. Criteria: ICSL Variant Classification Criteria 13 December 2019. Collection method: clinical testing. Allele origin: germline.

Illumina Laboratory Services, Illumina
Classification: Benign for Maturity-onset diabetes of the young type 13. Last evaluated: 2018-01-13. Review status: criteria provided, single submitter. Criteria: ICSL Variant Classification Criteria 13 December 2019. Collection method: clinical testing. Allele origin: germline.
Comment: the same text as in the submission from Illumina Laboratory Services, Illumina above.

Clinical Genomics, Uppaluri K&H Personalized Medicine Clinic
Classification: Uncertain significance for Maturity-onset diabetes of the young. Review status: criteria provided, single submitter. Criteria: K & H Uppaluri Personalized Medicine Clinic Variant Classification & Assertion Criteria_Updated V.1. Collection method: research. Allele origin: somatic. Inheritance: Autosomal dominant inheritance.
Comment: Mutations in KCNJ11 gene can cause decreased production and secretion of insulin. This can lead to MODY which may be responsive to oral sulfonylureas. It is also associated with Neonatal Diabetes. However, no sufficient evidence is found to ascertain the role of this particular variant (rs117976105) in MODY yet.

Literature cited by the submitters: PubMed 26448950 (cited by Clinical Genomics, Uppaluri K&H Personalized Medicine Clinic); PubMed 15580558 (cited by Clinical Genomics, Uppaluri K&H Personalized Medicine Clinic); PubMed 15718250 (cited by Clinical Genomics, Uppaluri K&H Personalized Medicine Clinic); PubMed 32935446 (cited by Clinical Genomics, Uppaluri K&H Personalized Medicine Clinic); PubMed 22701567 (cited by Clinical Genomics, Uppaluri K&H Personalized Medicine Clinic).

NM_000525.4(KCNJ11):c.*697G>A

Gene: KCNJ11 (potassium inwardly rectifying channel subfamily J member 11; minus strand). Cytogenetic location: 11p15.1.
Variant type: single nucleotide variant.
Coding change: c.*697G>A on transcript NM_000525.4 (MANE Select); 697 bases downstream of the stop codon, G replaced by A.
Molecular consequence: 3 prime UTR variant.
Genome position (GRCh38, 1-based): chr11:17,386,222, C>T on the plus strand (G>A on the coding strand, the complement: KCNJ11 is on the minus strand). VCF-style: chr11-17386222-C-T. GRCh37 (hg19) VCF-style: chr11-17407769-C-T.
Other names: c.*697G>A (NM_001166290.2, NM_001377296.1, NM_001377297.1).
Identifiers: ClinVar variation 303716 (VCV000303716.6), dbSNP rs117976105, ClinGen allele CA10634183.